The following is an entry in ClinVar:

NM_000552.5(VWF):c.6595T>C (p.Cys2199Arg)

Gene: VWF (von Willebrand factor; minus strand). Cytogenetic location: 12p13.31.
Variant type: single nucleotide variant.
Coding change: c.6595T>C on transcript NM_000552.5 (MANE Select); coding-DNA position 6595, T replaced by C.
Protein change: p.Cys2199Arg; replaces cysteine 2199 with arginine.
Molecular consequence: missense variant.
Genome position (GRCh38, 1-based): chr12:5,993,865, A>G on the plus strand (T>C on the coding strand, the complement: VWF is on the minus strand). VCF-style: chr12-5993865-A-G. GRCh37 (hg19) VCF-style: chr12-6103031-A-G.
Other names: short protein forms C2199R.
Identifiers: ClinVar variation 3895954 (VCV003895954.1).

ClinVar aggregate classification (germline): Uncertain significance (1 of 4 stars; one submission).

Submission:

Women's Health and Genetics/Laboratory Corporation of America, LabCorp
Classification: Uncertain significance. Last evaluated: 2025-03-25. Review status: criteria provided, single submitter. Criteria: LabCorp Variant Classification Summary - May 2015. Collection method: clinical testing. Allele origin: germline.
Comment: Variant summary: VWF c.6595T>C (p.Cys2199Arg) results in a non-conservative amino acid change in the encoded protein sequence. Five of five in-silico tools predict a damaging effect of the variant on protein function. The variant was absent in 247054 control chromosomes. The available data on variant occurrences in the general population are insufficient to allow any conclusion about variant significance. To our knowledge, no occurrence of c.6595T>C in individuals affected with Von Willebrand Disease and no experimental evidence demonstrating its impact on protein function have been reported. No submitters have cited clinical-significance assessments for this variant to ClinVar. Based on the evidence outlined above, the variant was classified as uncertain significance.